The following is an entry in ClinVar:

ClinVar aggregate classification (germline): Uncertain significance (1 of 4 stars; one submission).

Conditions:
Intellectual developmental disorder, autosomal dominant 65. Also called: MENTAL RETARDATION, AUTOSOMAL DOMINANT 65. Identifiers: MedGen C5543371, MONDO:0023657, OMIM 619320.

Submission:

Institute of Immunology and Genetics Kaiserslautern
Classification: Uncertain significance for Intellectual developmental disorder, autosomal dominant 65. Last evaluated: 2025-08-12. Review status: criteria provided, single submitter. Criteria: ACMG Guidelines, 2015. Collection method: clinical testing. Allele origin: germline. Affected: yes.
Comment: ACMG Criteria: PM2_P, PM4 ; Variant was found in heterozygous state.

NM_015015.3(KDM4B):c.1313_1315delAAG (p.Glu439del)

Gene: KDM4B (lysine demethylase 4B; plus strand). Cytogenetic location: 19p13.3.
Variant type: Deletion.
Coding change: c.1313_1315delAAG on transcript NM_015015.3 (MANE Select); coding-DNA positions 1313 to 1315, 3 bases deleted (AAG).
Protein change: p.Glu439del; deletes glutamic acid 439.
Molecular consequence: inframe deletion.
Genome position (GRCh38, 1-based): chr19:5,119,850-5,119,852, AAG deleted; deleting any 3 consecutive bases within chr19:5,119,848-5,119,852 gives the same sequence; the c. name uses the placement nearest the transcript's 3' end. VCF-style (leftmost placement, unchanged base first): chr19-5119847-CAGA-C. GRCh37 (hg19) VCF-style: chr19-5119858-CAGA-C.
Other names: c.1313_1315del (NM_015015.3); c.1415_1417delAAG, p.Glu473del (NM_001411148.1); short protein forms E439del, E473del.
Identifiers: ClinVar variation 4279043 (VCV004279043.1).